The following is an entry in ClinVar:

ClinVar aggregate classification (germline): Uncertain significance (1 of 4 stars; one submission).

Submission:

Labcorp Genetics (formerly Invitae), Labcorp
Classification: Uncertain significance. Last evaluated: 2023-06-21. Review status: criteria provided, single submitter. Criteria: Invitae Variant Classification Sherloc (09022015). Collection method: clinical testing. Allele origin: germline.
Comment: In summary, the available evidence is currently insufficient to determine the role of this variant in disease. Therefore, it has been classified as a Variant of Uncertain Significance. Experimental studies and prediction algorithms are not available or were not evaluated, and the functional significance of this variant is currently unknown. This variant has not been reported in the literature in individuals affected with DDX3X-related conditions. This variant is not present in population databases (gnomAD no frequency). This sequence change replaces alanine, which is neutral and non-polar, with proline, which is neutral and non-polar, at codon 253 of the DDX3X protein (p.Ala253Pro).

NM_001356.5(DDX3X):c.757G>C (p.Ala253Pro)

Gene: DDX3X (DEAD-box helicase 3 X-linked; plus strand). Cytogenetic location: Xp11.4.
Variant type: single nucleotide variant.
Coding change: c.757G>C on transcript NM_001356.5 (MANE Select); coding-DNA position 757, G replaced by C.
Protein change: p.Ala253Pro; replaces alanine 253 with proline.
Molecular consequence: missense variant. On other transcripts: non-coding transcript variant (1).
Genome position (GRCh38, 1-based): chrX:41,343,814, G>C. VCF-style: chrX-41343814-G-C. GRCh37 (hg19) VCF-style: chrX-41203067-G-C.
Other names: c.757G>C, p.Ala253Pro (NM_001193416.3); c.709G>C, p.Ala237Pro (NM_001193417.3); c.199G>C, p.Ala67Pro (NM_001363819.1); short protein forms A67P, A237P, A253P.
Identifiers: ClinVar variation 2790839 (VCV002790839.3), dbSNP rs2519513431, ClinGen allele CA412769772.